The following is an entry in ClinVar:

NM_052947.4(ALPK2):c.5771A>C (p.His1924Pro)

Gene: ALPK2 (alpha kinase 2; minus strand). Cytogenetic location: 18q21.31.
Variant type: single nucleotide variant.
Coding change: c.5771A>C on transcript NM_052947.4 (MANE Select); coding-DNA position 5771, A replaced by C.
Protein change: p.His1924Pro; replaces histidine 1924 with proline.
Molecular consequence: missense variant.
Genome position (GRCh38, 1-based): chr18:58,517,077, T>G on the plus strand (A>C on the coding strand, the complement: ALPK2 is on the minus strand). VCF-style: chr18-58517077-T-G. GRCh37 (hg19) VCF-style: chr18-56184309-T-G.
Other names: short protein forms H1924P.
Identifiers: ClinVar variation 2560610 (VCV002560610.2), dbSNP rs775644161, ClinGen allele CA8976359.

ClinVar aggregate classification (germline): Uncertain significance (1 of 4 stars; one submission).

Allele frequency attached by ClinVar (database versions not stated): ExAC 0.00001; gnomAD exomes 0.00001.
gnomAD v4.1: 7 of 1,614,222 alleles (0.00043%); highest among the groups gnomAD compares: South Asian, 0.0077%; no homozygotes.

Submission:

Ambry Genetics
Classification: Uncertain significance. Last evaluated: 2023-04-03. Review status: criteria provided, single submitter. Criteria: Ambry Variant Classification Scheme 2023. Collection method: clinical testing. Allele origin: germline.
Comment: The p.H1924P variant (also known as c.5771A>C), located in coding exon 8 of the ALPK2 gene, results from an A to C substitution at nucleotide position 5771. The histidine at codon 1924 is replaced by proline, an amino acid with similar properties. This amino acid position is conserved. In addition, the in silico prediction for this alteration is inconclusive. Since supporting evidence is limited at this time, the clinical significance of this alteration remains unclear.